The following is an entry in ClinVar:

NM_006060.6(IKZF1):c.1049T>C (p.Leu350Pro)

Gene: IKZF1 (IKAROS family zinc finger 1; plus strand). Cytogenetic location: 7p12.2.
Variant type: single nucleotide variant.
Coding change: c.1049T>C on transcript NM_006060.6 (MANE Select); coding-DNA position 1049, T replaced by C.
Protein change: p.Leu350Pro; replaces leucine 350 with proline.
Molecular consequence: missense variant.
Genome position (GRCh38, 1-based): chr7:50,400,116, T>C. VCF-style: chr7-50400116-T-C. GRCh37 (hg19) VCF-style: chr7-50467814-T-C.
Other names: c.923T>C, p.Leu308Pro (NM_001220765.3, NM_001291837.2); c.758T>C, p.Leu253Pro (NM_001220767.2); c.788T>C, p.Leu263Pro (NM_001220768.2, NM_001291838.2); c.632T>C, p.Leu211Pro (NM_001220770.2); c.620T>C, p.Leu207Pro (NM_001220771.2, NM_001291841.1); c.662T>C, p.Leu221Pro (NM_001291839.2); c.359T>C, p.Leu120Pro (NM_001291840.1); c.590T>C, p.Leu197Pro (NM_001291842.1); and 3 more; short protein forms L120P, L211P, L221P, L155P, L197P, L253P, L263P, L350P.
Identifiers: ClinVar variation 3727082 (VCV003727082.2).
Genomic context (GRCh38, chr7:50,400,116, plus strand): 5'-TGGTGCAGACGCCCCCGGGCGGTTCCGAGGTGGTCCCGGTCATCAGCCCGATGTACCAGC[T>C]GCACAAGCCGCTCGCGGAGGGCACCCCGCGCTCCAACCACTCGGCCCAGGACAGCGCCGT-3'
Protein context (NP_006051.1, residues 340-360): VVPVISPMYQ[Leu350Pro]HKPLAEGTPR

ClinVar aggregate classification (germline): Uncertain significance (1 of 4 stars; one submission).

Submission:

Labcorp Genetics (formerly Invitae), Labcorp
Classification: Uncertain significance. Last evaluated: 2025-10-21. Review status: criteria provided, single submitter. Criteria: Invitae Variant Classification Sherloc (09022015). Collection method: clinical testing. Allele origin: germline.
Comment: This sequence change replaces leucine, which is neutral and non-polar, with proline, which is neutral and non-polar, at codon 350 of the IKZF1 protein (p.Leu350Pro). This variant is not present in population databases (gnomAD no frequency). This variant has not been reported in the literature in individuals affected with IKZF1-related conditions. ClinVar contains an entry for this variant (Variation ID: 3727082). An algorithm developed to predict the effect of missense changes on protein structure and function (PolyPhen-2) suggests that this variant is likely to be disruptive. In summary, the available evidence is currently insufficient to determine the role of this variant in disease. Therefore, it has been classified as a Variant of Uncertain Significance.